The following is an entry in ClinVar:

NM_001114753.3(ENG):c.583_601del (p.Glu195fs)

Gene: ENG (endoglin; minus strand). Cytogenetic location: 9q34.11.
Variant type: Deletion.
Coding change: c.583_601del on transcript NM_001114753.3 (MANE Select); coding-DNA positions 583 to 601, 19 bases deleted (GAGTGGCGGCCGCGTACTC).
Protein change: p.Glu195fs; shifts the reading frame from glutamic acid 195.
Molecular consequence: frameshift variant.
Genome position (GRCh38, 1-based): chr9:127,825,783-127,825,801, GAGTACGCGGCCGCCACTC deleted on the plus strand (GAGTGGCGGCCGCGTACTC on the coding strand, the reverse complement: ENG is on the minus strand); deleting any 19 consecutive bases within chr9:127,825,783-127,825,804 gives the same sequence; the c. name uses the placement nearest the transcript's 3' end. VCF-style (leftmost placement, unchanged base first): chr9-127825782-GGAGTACGCGGCCGCCACTC-G. GRCh37 (hg19) VCF-style: chr9-130588061-GGAGTACGCGGCCGCCACTC-G.
Other names: c.583_601del, p.Glu195fs (NM_000118.4, NM_001406715.1); c.37_55del, p.Glu13fs (NM_001278138.2); c.583_601del19 (NM_001114753.1); short protein forms E13fs, E195fs.
Identifiers: ClinVar variation 3572998 (VCV003572998.2).

ClinVar aggregate classification (germline): Pathogenic. Review status: criteria provided, multiple submitters, no conflicts (2 of 4 stars). 2 submissions from 2 submitters: Pathogenic (2). Last evaluated 2025-07-11.

Conditions:
Telangiectasia, hereditary hemorrhagic, type 1 (HHT1). Also called: Osler Weber Rendu syndrome type 1; ENG-Related Hereditary Hemorrhagic Telangiectasia. Identifiers: Orphanet 774, MedGen C4551861, MONDO:0008535, OMIM 187300. Disease mechanism: loss of function.
Cardiovascular phenotype. Identifiers: MedGen CN230736.

Submissions (2):

Ambry Genetics
Classification: Pathogenic for Cardiovascular phenotype. Last evaluated: 2025-07-11. Review status: criteria provided, single submitter. Criteria: Ambry Variant Classification Scheme 2023. Collection method: clinical testing. Allele origin: germline.
Comment: The c.583_601del19 pathogenic mutation, located in coding exon 5 of the ENG gene, results from a deletion of 19 nucleotides at nucleotide positions 583 to 601, causing a translational frameshift with a predicted alternate stop codon (p.E195Qfs*21). This variant was reported in individual(s) with features consistent with hereditary hemorrhagic telangiectasia (Ambry internal data). This variant is considered to be rare based on population cohorts in the Genome Aggregation Database (gnomAD). This alteration is expected to result in loss of function by premature protein truncation or nonsense-mediated mRNA decay. As such, this alteration is interpreted as a disease-causing mutation.

MVZ Martinsried, Medicover Genetics
Classification: Pathogenic for Telangiectasia, hereditary hemorrhagic, type 1. Last evaluated: 2024-06-20. Review status: criteria provided, single submitter. Criteria: ACGS Guidelines, 2020. Collection method: clinical testing. Allele origin: unknown. Affected: yes.